The following is an entry in ClinVar:

ClinVar aggregate classification (germline): Pathogenic/Likely pathogenic. Review status: criteria provided, multiple submitters, no conflicts (2 of 4 stars). 4 submissions from 4 submitters: Pathogenic (3); Likely pathogenic (1). Last evaluated 2024-11-24.

Conditions:
Cardiovascular phenotype. Identifiers: MedGen CN230736.
Telangiectasia, hereditary hemorrhagic, type 1 (HHT1). Also called: Osler Weber Rendu syndrome type 1; ENG-Related Hereditary Hemorrhagic Telangiectasia. Identifiers: Orphanet 774, MedGen C4551861, MONDO:0008535, OMIM 187300. Disease mechanism: loss of function.

Submissions (4):

GeneDx
Classification: Likely pathogenic. Last evaluated: 2024-11-24. Review status: criteria provided, single submitter. Criteria: GeneDx Variant Classification Process June 2021. Collection method: clinical testing. Allele origin: germline. Affected: yes.
Comment: Has not been previously published as pathogenic or benign to our knowledge; Not observed at significant frequency in large population cohorts (gnomAD); Frameshift variant predicted to result in protein truncation or nonsense mediated decay in a gene for which loss of function is a known mechanism of disease

ARUP Laboratories, Molecular Genetics and Genomics, ARUP Laboratories
Classification: Pathogenic for Telangiectasia, hereditary hemorrhagic, type 1. Last evaluated: 2024-01-30. Review status: criteria provided, single submitter. Criteria: ARUP Molecular Germline Variant Investigation Process 2024. Collection method: clinical testing. Allele origin: germline.
Comment: The ENG c.895del; p.Leu299SerfsTer60 variant (rs1064795636), to our knowledge, is not reported in the medical literature but is reported in ClinVar (Variation ID: 422216). This variant is absent from the Genome Aggregation Database (v2.1.1), indicating it is not a common polymorphism. This variant causes a frameshift by deleting a single nucleotide, so it is predicted to result in a truncated protein or mRNA subject to nonsense-mediated decay. Based on available information, this variant is considered to be pathogenic.

Mayo Clinic Laboratories, Mayo Clinic
Classification: Pathogenic. Last evaluated: 2021-03-17. Review status: criteria provided, single submitter. Criteria: ACMG Guidelines, 2015. Collection method: clinical testing. Allele origin: germline. Observed: 1 variant allele.
Comment: PVS1, PS4_Supporting, PM2

Ambry Genetics
Classification: Pathogenic for Cardiovascular phenotype. Last evaluated: 2017-07-25. Review status: criteria provided, single submitter. Criteria: Ambry Variant Classification Scheme 2023. Collection method: clinical testing. Allele origin: germline.
Comment: The c.895delC pathogenic mutation, located in coding exon 7 of the ENG gene, results from a deletion of one nucleotide at nucleotide position 895, causing a translational frameshift with a predicted alternate stop codon (p.L299Sfs*60). This alteration is expected to result in loss of function by premature protein truncation or nonsense-mediated mRNA decay. As such, this alteration is interpreted as a disease-causing mutation.

NM_001114753.3(ENG):c.895del (p.Leu299fs)

Gene: ENG (endoglin; minus strand). Cytogenetic location: 9q34.11.
Variant type: Deletion.
Coding change: c.895del on transcript NM_001114753.3 (MANE Select); coding-DNA position 895, one base deleted (C; older notation c.895delC).
Protein change: p.Leu299fs; shifts the reading frame from leucine 299.
Molecular consequence: frameshift variant.
Genome position (GRCh38, 1-based): chr9:127,824,896, G deleted on the plus strand (C on the coding strand, the reverse complement: ENG is on the minus strand); the first of 2 consecutive G bases (chr9:127,824,896-127,824,897); deleting either gives the same sequence. VCF-style (leftmost placement, unchanged base first): chr9-127824895-AG-A. GRCh37 (hg19) VCF-style: chr9-130587174-AG-A.
Other names: c.895delC (NM_001114753.2, NM_000118.2); c.894delC, p.Leu299Serfs (NM_000118.4, NM_001406715.1); c.349del, p.Leu117fs (NM_001278138.2); c.895del (NM_000118.2); short protein forms L117fs, L299fs.
Identifiers: ClinVar variation 422216 (VCV000422216.13), dbSNP rs1064795636, ClinGen allele CA16618748.